The following is an entry in ClinVar:

NM_001868.4(CPA1):c.626T>G (p.Ile209Ser)

Gene: CPA1 (carboxypeptidase A1; plus strand). Cytogenetic location: 7q32.2.
Variant type: single nucleotide variant.
Coding change: c.626T>G on transcript NM_001868.4 (MANE Select); coding-DNA position 626, T replaced by G.
Protein change: p.Ile209Ser; replaces isoleucine 209 with serine.
Molecular consequence: missense variant.
Genome position (GRCh38, 1-based): chr7:130,383,724, T>G. VCF-style: chr7-130383724-T-G. GRCh37 (hg19) VCF-style: chr7-130023565-T-G.
Other names: short protein forms I209S.
Identifiers: ClinVar variation 2563232 (VCV002563232.2), dbSNP rs781986613, ClinGen allele CA369282714.

ClinVar aggregate classification (germline): Uncertain significance (1 of 4 stars; one submission).

Conditions:
Hereditary pancreatitis (PCTT). Also called: Hereditary chronic pancreatitis; PRSS1-Related Hereditary Pancreatitis. Identifiers: Orphanet 676, MedGen C0238339, MONDO:0008185, OMIM 167800.

Allele frequency attached by ClinVar (database versions not stated): TOPMed below 0.00001.

Submission:

Ambry Genetics
Classification: Uncertain significance for Hereditary pancreatitis. Last evaluated: 2023-05-29. Review status: criteria provided, single submitter. Criteria: Ambry Variant Classification Scheme 2023. Collection method: clinical testing. Allele origin: germline.
Comment: The p.I209S variant (also known as c.626T>G), located in coding exon 6 of the CPA1 gene, results from a T to G substitution at nucleotide position 626. The isoleucine at codon 209 is replaced by serine, an amino acid with dissimilar properties. This amino acid position is conserved. In addition, the in silico prediction for this alteration is inconclusive. Since supporting evidence is limited at this time, the clinical significance of this alteration remains unclear.